The following is an entry in ClinVar:

ClinVar aggregate classification (germline): Uncertain significance. Review status: criteria provided, multiple submitters, no conflicts (2 of 4 stars). 3 submissions from 3 submitters: Uncertain significance (3). Last evaluated 2025-10-18.

Conditions:
Cenani-Lenz syndactyly syndrome. Also called: SYNDACTYLY, TYPE VII; CENANI SYNDACTYLISM. Identifiers: Orphanet 3258, MedGen C1859309, MONDO:0008931, OMIM 212780.
Sclerosteosis 2 (SOST2). Identifiers: Orphanet 3152, MedGen C3280402, MONDO:0013679, OMIM 614305.
Congenital myasthenic syndrome 17. Identifiers: Orphanet 590, MedGen C4225377, MONDO:0014578, OMIM 616304.
Inborn genetic diseases. Identifiers: MedGen C0950123, MeSH D030342.

Allele frequency attached by ClinVar (database versions not stated): gnomAD 0.00003 and 0.00004; gnomAD exomes 0.00004; ExAC 0.00005; ESP Exome Variant Server 0.00008; TOPMed 0.00010; 1000 Genomes Project 30x 0.00016; 1000 Genomes Project 0.00020.

Submissions (3):

Ambry Genetics
Classification: Uncertain significance for Inborn genetic diseases. Last evaluated: 2025-10-18. Review status: criteria provided, single submitter. Criteria: Ambry Variant Classification Scheme 2023. Collection method: clinical testing. Allele origin: germline.

Labcorp Genetics (formerly Invitae), Labcorp
Classification: Uncertain significance for Cenani-Lenz syndactyly syndrome; Sclerosteosis 2; Congenital myasthenic syndrome 17. Last evaluated: 2025-03-03. Review status: criteria provided, single submitter. Criteria: Invitae Variant Classification Sherloc (09022015). Collection method: clinical testing. Allele origin: germline.
Comment: This sequence change replaces arginine, which is basic and polar, with tryptophan, which is neutral and slightly polar, at codon 352 of the LRP4 protein (p.Arg352Trp). This variant is present in population databases (rs148456240, gnomAD 0.01%). This variant has not been reported in the literature in individuals affected with LRP4-related conditions. ClinVar contains an entry for this variant (Variation ID: 934506). An algorithm developed to predict the effect of missense changes on protein structure and function (PolyPhen-2) suggests that this variant is likely to be disruptive. In summary, the available evidence is currently insufficient to determine the role of this variant in disease. Therefore, it has been classified as a Variant of Uncertain Significance.

Fulgent Genetics
Classification: Uncertain significance for Cenani-Lenz syndactyly syndrome; Sclerosteosis 2; Congenital myasthenic syndrome 17. Last evaluated: 2024-04-12. Review status: criteria provided, single submitter. Criteria: ACMG Guidelines, 2015. Collection method: clinical testing. Allele origin: germline.

NM_002334.4(LRP4):c.1054C>T (p.Arg352Trp)

Gene: LRP4 (LDL receptor related protein 4; minus strand). Cytogenetic location: 11p11.2.
Variant type: single nucleotide variant.
Coding change: c.1054C>T on transcript NM_002334.4 (MANE Select); coding-DNA position 1054, C replaced by T.
Protein change: p.Arg352Trp; replaces arginine 352 with tryptophan.
Molecular consequence: missense variant.
Genome position (GRCh38, 1-based): chr11:46,896,013, G>A on the plus strand (C>T on the coding strand, the complement: LRP4 is on the minus strand). VCF-style: chr11-46896013-G-A. GRCh37 (hg19) VCF-style: chr11-46917564-G-A.
Other names: short protein forms R352W.
Identifiers: ClinVar variation 934506 (VCV000934506.11), dbSNP rs148456240, ClinGen allele CA5970274.